The following is an entry in ClinVar:

NM_000168.6(GLI3):c.473+5G>A

Gene: GLI3 (GLI family zinc finger 3; minus strand). Cytogenetic location: 7p14.1.
Variant type: single nucleotide variant.
Coding change: c.473+5G>A on transcript NM_000168.6 (MANE Select); 5 bases into the intron after coding-DNA position 473, G replaced by A.
Molecular consequence: intron variant.
Genome position (GRCh38, 1-based): chr7:42,076,747, C>T on the plus strand (G>A on the coding strand, the complement: GLI3 is on the minus strand). VCF-style: chr7-42076747-C-T. GRCh37 (hg19) VCF-style: chr7-42116346-C-T.
Identifiers: ClinVar variation 848738 (VCV000848738.5), dbSNP rs1784885465, ClinGen allele CA916082925.
Genomic context (GRCh38, chr7:42,076,747, plus strand): 5'-GTCCTGAGATGGTAAAAGCCAGCATCTCGTTCCATTTCATTAATGAAGAAAGTGTTAATA[C>T]TTACATATGCAATGGAGGAATCGGAGATGGATCGTAATGGTAACGGCCCTCATGATGTCT-3'

ClinVar aggregate classification (germline): Conflicting classifications of pathogenicity. Review status: criteria provided, conflicting classifications (1 of 4 stars). 2 submissions from 2 submitters: Pathogenic (1); Uncertain significance (1). Last evaluated 2019-01-24.

Conditions:
Pallister-Hall syndrome (PHS). Also called: GLI3-Related Pallister-Hall Syndrome; HYPOTHALAMIC HAMARTOBLASTOMA, HYPOPITUITARISM, IMPERFORATE ANUS, AND POSTAXIAL POLYDACTYLY. Identifiers: Orphanet 672, MedGen C0265220, MONDO:0007804, OMIM 146510.
Greig cephalopolysyndactyly syndrome (GCPS). Also called: POLYSYNDACTYLY WITH PECULIAR SKULL SHAPE; GLI3-Related Greig Cephalopolysyndactyly Syndrome; Greig syndrome. Identifiers: Orphanet 380, MedGen C0265306, MONDO:0008287, OMIM 175700.
Polysyndactyly 4. Also called: Polysyndactyly uncomplicated; Preaxial polydactyly 4. Identifiers: Orphanet 93338, MedGen C1868111, MONDO:0008272, OMIM 174700.

Submissions (2):

Labcorp Genetics (formerly Invitae), Labcorp
Classification: Uncertain significance for Pallister-Hall syndrome; Greig cephalopolysyndactyly syndrome. Last evaluated: 2019-01-24. Review status: criteria provided, single submitter. Criteria: Invitae Variant Classification Sherloc (09022015). Collection method: clinical testing. Allele origin: germline.
Comment: This sequence change falls in intron 4 of the GLI3 gene. It does not directly change the encoded amino acid sequence of the GLI3 protein, but it affects a nucleotide within the consensus splice site of the intron. This variant is not present in population databases (ExAC no frequency). This variant has not been reported in the literature in individuals with GLI3-related conditions. Nucleotide substitutions within the consensus splice site are a relatively common cause of aberrant splicing (PMID: 17576681, 9536098). Algorithms developed to predict the effect of sequence changes on RNA splicing suggest that this variant may disrupt the consensus splice site, but this prediction has not been confirmed by published transcriptional studies. In summary, the available evidence is currently insufficient to determine the role of this variant in disease. Therefore, it has been classified as a Variant of Uncertain Significance.

Kids Neuroscience Centre, Sydney Children's Hospitals Network
Classification: Pathogenic for Polysyndactyly 4. Review status: criteria provided, single submitter. Criteria: Bournazos AM et al. (Genet Med 2021). Collection method: clinical testing. Allele origin: unknown. Inheritance: Autosomal dominant inheritance. Affected: yes. Observed: 1 heterozygote.
Comment: Detected one abnormal splicing event, out-of-frame exon 4 skipping (r.368_473del). This event causes a frameshift encoding 57 missense amino acids and a premature termination codon p.(His123Argfs*58). These transcripts are predicted to be targeted by nonsense mediated decay (NMD), however, NMD inhibition by cycloheximide did not increase the relative abundance of mis-spliced transcripts bearing an encoded premature termination codon . However, it should be noted that nonsense-mediated decay remains imperfectly understood and there are many reported examples of lack of compliance to NMD criteria (which is the occurrence of a premature termination codon at least 55 nt upstream of the last exon junction complex). Mis-spliced GLI3 transcripts that escape NMD encode a severely truncated GLI3 protein lacking 1,458 amino acids from the C -terminus, including the vital Zing finger C2H2 domain. Therefore, it is very likely that the severely truncated GLI3 protein is non/dys -functional.